The following is an entry in ClinVar:

NM_020937.4(FANCM):c.3370C>T (p.Pro1124Ser)

Gene: FANCM (FA complementation group M; plus strand). Cytogenetic location: 14q21.2.
Variant type: single nucleotide variant.
Coding change: c.3370C>T on transcript NM_020937.4 (MANE Select); coding-DNA position 3370, C replaced by T.
Protein change: p.Pro1124Ser; replaces proline 1124 with serine.
Molecular consequence: missense variant.
Genome position (GRCh38, 1-based): chr14:45,176,124, C>T. VCF-style: chr14-45176124-C-T. GRCh37 (hg19) VCF-style: chr14-45645327-C-T.
Other names: c.3292C>T, p.Pro1098Ser (NM_001308133.2); short protein forms P1098S, P1124S.
Identifiers: ClinVar variation 4871115 (VCV004871115.1).
Genomic context (GRCh38, chr14:45,176,124, plus strand): 5'-AGAAGCCCTGCACAGAATTTAGTTGGAGAGAACAATCATGATGTTGATAACAGTGACCTC[C>T]CAGTATTGTCCACTGATCAAGATGAAAGTTTGCTGTTATTTGAAGATGTTAATACAGAGT-3'
Protein context (NP_065988.1, residues 1114-1134): NNHDVDNSDL[Pro1124Ser]VLSTDQDESL

ClinVar aggregate classification (germline): Uncertain significance (1 of 4 stars; one submission).

Conditions:
Inborn genetic diseases. Identifiers: MedGen C0950123, MeSH D030342.

Submission:

Ambry Genetics
Classification: Uncertain significance for Inborn genetic diseases. Last evaluated: 2026-04-28. Review status: criteria provided, single submitter. Criteria: Ambry Variant Classification Scheme 2023. Collection method: clinical testing. Allele origin: germline.
Comment: The p.P1124S variant (also known as c.3370C>T), located in coding exon 14 of the FANCM gene, results from a C to T substitution at nucleotide position 3370. The proline at codon 1124 is replaced by serine, an amino acid with similar properties. This amino acid position is conserved. In addition, this alteration is predicted to be tolerated by in silico analysis. Based on the available evidence, the clinical significance of this variant remains unclear.